The following is an entry in ClinVar:

NM_001323289.2(CDKL5):c.1952_1955dup (p.Leu653fs)

Gene: CDKL5 (cyclin dependent kinase like 5; plus strand). Cytogenetic location: Xp22.13.
Variant type: Duplication.
Coding change: c.1952_1955dup on transcript NM_001323289.2 (MANE Select); coding-DNA positions 1952 to 1955, 4 bases duplicated (AACA; older notation c.1952_1955dupAACA).
Protein change: p.Leu653fs; shifts the reading frame from leucine 653.
Molecular consequence: frameshift variant.
Genome position (GRCh38, 1-based): chrX:18,608,818-18,608,821, AACA duplicated. VCF-style (leftmost placement, unchanged base first): chrX-18608817-G-GAACA. GRCh37 (hg19) VCF-style: chrX-18626937-G-GAACA.
Other names: NM_003159.3:c.1952_1955dup; c.1952_1955dup, p.Leu653fs (NM_001037343.2, NM_003159.3); short protein forms L653fs.
Identifiers: ClinVar variation 3602029 (VCV003602029.1).

ClinVar aggregate classification (germline): Likely pathogenic (1 of 4 stars; one submission).

Conditions:
Rett syndrome (RTT). Also called: AUTISM, DEMENTIA, ATAXIA, AND LOSS OF PURPOSEFUL HAND USE; Rett's disorder. Identifiers: Orphanet 3095, Orphanet 778, MedGen C0035372, MONDO:0010726, OMIM 312750.

Submission:

Centre for Population Genomics, CPG
Classification: Likely pathogenic for Rett syndrome. Last evaluated: 2024-12-19. Review status: criteria provided, single submitter. Criteria: McKnight et al. (Hum Mutat. 2022). Collection method: curation. Allele origin: germline. Inheritance: X-linked inheritance.
Comment: Based on the classification scheme defined by the ClinGen Rett/Angelman-like Expert Panel for Rett/AS-like Disorders Specifications to the ACMG/AMP Variant Interpretation Guidelines VCEP 3.0, this variant is classified as likely pathogenic. At least the following criteria are met: Predicted to result in loss of function, and LOF is a known mechanism of disease (PVS1). This variant is absent from gnomAD (PM2_Supporting).